The following is an entry in ClinVar:

ClinVar aggregate classification (germline): Uncertain significance. Review status: criteria provided, multiple submitters, no conflicts (2 of 4 stars). 2 submissions from 2 submitters: Uncertain significance (2). Last evaluated 2025-05-21.

Conditions:
Heterotopia, periventricular, X-linked dominant (PVNH1). Also called: PERIVENTRICULAR NODULAR HETEROTOPIA 1; X-linked periventricular heterotopia; PERIVENTRICULAR NODULAR HETEROTOPIA 4; HETEROTOPIA, PERIVENTRICULAR, 1. Identifiers: Orphanet 2149, Orphanet 82004, MedGen C1848213, MONDO:0010233, OMIM 300049.
Oto-palato-digital syndrome, type II (OPD2). Also called: OPD II SYNDROME; Otopalatodigital Syndrome, Type II; Otopalatodigital Syndrome Type 2 (FLNA-OPD2); FACIOPALATOOSSEOUS SYNDROME. Identifiers: Orphanet 669, Orphanet 90652, MedGen C1844696, MONDO:0010571, OMIM 304120.
Melnick-Needles syndrome (MNS). Also called: MELNICK-NEEDLES OSTEODYSPLASTY; OSTEODYSPLASTY OF MELNICK AND NEEDLES; Melnick-Needles Syndrome (FLNA-MNS). Identifiers: Orphanet 2484, MedGen C0025237, MONDO:0010650, OMIM 309350.
Frontometaphyseal dysplasia (FMD1). Identifiers: Orphanet 1826, MedGen C0265293, MONDO:0015942.

Submissions (2):

Labcorp Genetics (formerly Invitae), Labcorp
Classification: Uncertain significance for Oto-palato-digital syndrome, type II; Heterotopia, periventricular, X-linked dominant; Frontometaphyseal dysplasia; Melnick-Needles syndrome. Last evaluated: 2025-05-21. Review status: criteria provided, single submitter. Criteria: Invitae Variant Classification Sherloc (09022015). Collection method: clinical testing. Allele origin: germline.
Comment: This sequence change replaces cysteine, which is neutral and slightly polar, with phenylalanine, which is neutral and non-polar, at codon 574 of the FLNA protein (p.Cys574Phe). This variant is not present in population databases (gnomAD no frequency). This variant has not been reported in the literature in individuals affected with FLNA-related conditions. ClinVar contains an entry for this variant (Variation ID: 1331141). Invitae Evidence Modeling of protein sequence and biophysical properties (such as structural, functional, and spatial information, amino acid conservation, physicochemical variation, residue mobility, and thermodynamic stability) indicates that this missense variant is not expected to disrupt FLNA protein function with a negative predictive value of 95%. In summary, the available evidence is currently insufficient to determine the role of this variant in disease. Therefore, it has been classified as a Variant of Uncertain Significance.

GeneDx
Classification: Uncertain significance. Last evaluated: 2021-06-28. Review status: criteria provided, single submitter. Criteria: GeneDx Variant Classification Process June 2021. Collection method: clinical testing. Allele origin: germline. Affected: yes.
Comment: Has not been previously published as pathogenic or benign to our knowledge; Not observed at significant frequency in large population cohorts (Lek et al., 2016); In silico analysis supports that this missense variant has a deleterious effect on protein structure/function; This variant is associated with the following publications: (PMID: 27535533)

NM_001110556.2(FLNA):c.1721G>T (p.Cys574Phe)

Gene: FLNA (filamin A; minus strand). Cytogenetic location: Xq28.
Variant type: single nucleotide variant.
Coding change: c.1721G>T on transcript NM_001110556.2 (MANE Select); coding-DNA position 1721, G replaced by T.
Protein change: p.Cys574Phe; replaces cysteine 574 with phenylalanine.
Molecular consequence: missense variant.
Genome position (GRCh38, 1-based): chrX:154,364,928, C>A on the plus strand (G>T on the coding strand, the complement: FLNA is on the minus strand). VCF-style: chrX-154364928-C-A. GRCh37 (hg19) VCF-style: chrX-153593296-C-A.
Other names: c.1721G>T, p.Cys574Phe (NM_001456.4); short protein forms C574F.
Identifiers: ClinVar variation 1331141 (VCV001331141.3), dbSNP rs2148116561, ClinGen allele CA415242739.